The following is an entry in ClinVar:

NM_006005.3(WFS1):c.13dup (p.Thr5fs)

Gene: WFS1 (wolframin ER transmembrane glycoprotein; plus strand). Cytogenetic location: 4p16.1.
Variant type: Duplication.
Coding change: c.13dup on transcript NM_006005.3 (MANE Select); coding-DNA position 13, one base duplicated (A; older notation c.13dupA).
Protein change: p.Thr5fs; shifts the reading frame from threonine 5.
Molecular consequence: frameshift variant.
Genome position (GRCh38, 1-based): chr4:6,277,468, A duplicated. VCF-style (leftmost placement, unchanged base first): chr4-6277467-C-CA. GRCh37 (hg19) VCF-style: chr4-6279194-C-CA.
Other names: c.13dup, p.Thr5fs (NM_001145853.1); short protein forms T5fs.
Identifiers: ClinVar variation 2044055 (VCV002044055.4), dbSNP rs1320873902, ClinGen allele CA549707947.

ClinVar aggregate classification (germline): Pathogenic (1 of 4 stars; one submission).

Allele frequency attached by ClinVar (database versions not stated): gnomAD exomes below 0.00001.

Submission:

Labcorp Genetics (formerly Invitae), Labcorp
Classification: Pathogenic. Last evaluated: 2023-07-21. Review status: criteria provided, single submitter. Criteria: Invitae Variant Classification Sherloc (09022015). Collection method: clinical testing. Allele origin: germline.
Comment: ClinVar contains an entry for this variant (Variation ID: 2044055). For these reasons, this variant has been classified as Pathogenic. This variant has not been reported in the literature in individuals affected with WFS1-related conditions. This sequence change creates a premature translational stop signal (p.Thr5Asnfs*51) in the WFS1 gene. It is expected to result in an absent or disrupted protein product. Loss-of-function variants in WFS1 are known to be pathogenic (PMID: 12955714). This variant is present in population databases (no rsID available, gnomAD 0.002%).

Literature cited by the submitters: PubMed 12955714.